The following is an entry in ClinVar:

ClinVar aggregate classification (germline): Uncertain significance. Review status: criteria provided, multiple submitters, no conflicts (2 of 4 stars). 2 submissions from 2 submitters: Uncertain significance (2). Last evaluated 2025-10-22.

Conditions:
Inborn genetic diseases. Identifiers: MedGen C0950123, MeSH D030342.
KBG syndrome (KBGS). Also called: ANKRD11-Related KBG Syndrome. Identifiers: Orphanet 2332, MedGen C0220687, MONDO:0007846, OMIM 148050.

Allele frequency attached by ClinVar (database versions not stated): gnomAD 0.00001; gnomAD exomes 0.00001; TOPMed 0.00002.
gnomAD v4.1: 7 of 1,614,020 alleles (0.00043%); highest among the groups gnomAD compares: African/African-American, 0.008%; no homozygotes.

Submissions (2):

Ambry Genetics
Classification: Uncertain significance for Inborn genetic diseases. Last evaluated: 2025-10-22. Review status: criteria provided, single submitter. Criteria: Ambry Variant Classification Scheme 2023. Collection method: clinical testing. Allele origin: germline.

Labcorp Genetics (formerly Invitae), Labcorp
Classification: Uncertain significance for KBG syndrome. Last evaluated: 2023-09-10. Review status: criteria provided, single submitter. Criteria: Invitae Variant Classification Sherloc (09022015). Collection method: clinical testing. Allele origin: germline.
Comment: In summary, the available evidence is currently insufficient to determine the role of this variant in disease. Therefore, it has been classified as a Variant of Uncertain Significance. Advanced modeling of protein sequence and biophysical properties (such as structural, functional, and spatial information, amino acid conservation, physicochemical variation, residue mobility, and thermodynamic stability) performed at Invitae indicates that this missense variant is not expected to disrupt ANKRD11 protein function. This variant has not been reported in the literature in individuals affected with ANKRD11-related conditions. This variant is present in population databases (no rsID available, gnomAD 0.01%). This sequence change replaces lysine, which is basic and polar, with arginine, which is basic and polar, at codon 373 of the ANKRD11 protein (p.Lys373Arg).

NM_013275.6(ANKRD11):c.1118A>G (p.Lys373Arg)

Gene: ANKRD11 (ankyrin repeat domain 11; minus strand). Cytogenetic location: 16q24.3.
Variant type: single nucleotide variant.
Coding change: c.1118A>G on transcript NM_013275.6 (MANE Select); coding-DNA position 1118, A replaced by G.
Protein change: p.Lys373Arg; replaces lysine 373 with arginine.
Molecular consequence: missense variant.
Genome position (GRCh38, 1-based): chr16:89,285,424, T>C on the plus strand (A>G on the coding strand, the complement: ANKRD11 is on the minus strand). VCF-style: chr16-89285424-T-C. GRCh37 (hg19) VCF-style: chr16-89351832-T-C.
Other names: c.1118A>G, p.Lys373Arg (NM_001256182.2, NM_001256183.2); c.1118A>G (NM_013275.4); short protein forms K373R.
Identifiers: ClinVar variation 2890373 (VCV002890373.4), dbSNP rs1289761842, ClinGen allele CA397165650.